The following is an entry in ClinVar:

ClinVar aggregate classification (germline): Uncertain significance. Review status: criteria provided, multiple submitters, no conflicts (2 of 4 stars). 2 submissions from 2 submitters: Uncertain significance (2). Last evaluated 2025-05-23.

Conditions:
DICER1-related tumor predisposition. Also called: DICER1 syndrome; DICER1-related pleuropulmonary blastoma cancer predisposition syndrome. Identifiers: Orphanet 284343, MedGen C3839822, MONDO:0100216.
Hereditary cancer-predisposing syndrome. Also called: Hereditary neoplastic syndrome; Neoplastic Syndromes, Hereditary; Hereditary Cancer Syndrome; Tumor predisposition. Identifiers: Orphanet 140162, MedGen C0027672, MeSH D009386, MONDO:0015356.

Submissions (2):

Ambry Genetics
Classification: Uncertain significance for Hereditary cancer-predisposing syndrome. Last evaluated: 2025-05-23. Review status: criteria provided, single submitter. Criteria: Ambry Variant Classification Scheme 2023. Collection method: clinical testing. Allele origin: germline.
Comment: The p.S1016N variant (also known as c.3047G>A), located in coding exon 18 of the DICER1 gene, results from a G to A substitution at nucleotide position 3047. The serine at codon 1016 is replaced by asparagine, an amino acid with highly similar properties. This amino acid position is highly conserved in available vertebrate species. In addition, this alteration is predicted to be tolerated by in silico analysis. Based on the available evidence, the clinical significance of this variant remains unclear.

Labcorp Genetics (formerly Invitae), Labcorp
Classification: Uncertain significance for DICER1-related tumor predisposition. Last evaluated: 2024-08-07. Review status: criteria provided, single submitter. Criteria: Invitae Variant Classification Sherloc (09022015). Collection method: clinical testing. Allele origin: germline.
Comment: This sequence change replaces serine, which is neutral and polar, with asparagine, which is neutral and polar, at codon 1016 of the DICER1 protein (p.Ser1016Asn). This variant is not present in population databases (gnomAD no frequency). This variant has not been reported in the literature in individuals affected with DICER1-related conditions. ClinVar contains an entry for this variant (Variation ID: 568866). Advanced modeling of protein sequence and biophysical properties (such as structural, functional, and spatial information, amino acid conservation, physicochemical variation, residue mobility, and thermodynamic stability) performed at Invitae indicates that this missense variant is not expected to disrupt DICER1 protein function with a negative predictive value of 80%. In summary, the available evidence is currently insufficient to determine the role of this variant in disease. Therefore, it has been classified as a Variant of Uncertain Significance.

NM_177438.3(DICER1):c.3047G>A (p.Ser1016Asn)

Gene: DICER1 (dicer 1, ribonuclease III; minus strand). Cytogenetic location: 14q32.13.
Variant type: single nucleotide variant.
Coding change: c.3047G>A on transcript NM_177438.3 (MANE Select); coding-DNA position 3047, G replaced by A.
Protein change: p.Ser1016Asn; replaces serine 1016 with asparagine.
Molecular consequence: missense variant.
Genome position (GRCh38, 1-based): chr14:95,105,724, C>T on the plus strand (G>A on the coding strand, the complement: DICER1 is on the minus strand). VCF-style: chr14-95105724-C-T. GRCh37 (hg19) VCF-style: chr14-95572061-C-T.
Other names: c.3047G>A, p.Ser1016Asn (NM_001195573.1, NM_001271282.3, NM_001291628.2 and 1 more transcripts); short protein forms S1016N.
Identifiers: ClinVar variation 568866 (VCV000568866.14), dbSNP rs1566772412, ClinGen allele CA390878236.